The following is an entry in ClinVar:

NM_017868.4(TTC12):c.1507A>T (p.Met503Leu)

Gene: TTC12 (tetratricopeptide repeat domain 12; plus strand). Cytogenetic location: 11q23.2.
Variant type: single nucleotide variant.
Coding change: c.1507A>T on transcript NM_017868.4 (MANE Select); coding-DNA position 1507, A replaced by T.
Protein change: p.Met503Leu; replaces methionine 503 with leucine.
Molecular consequence: missense variant. On other transcripts: non-coding transcript variant (3).
Genome position (GRCh38, 1-based): chr11:113,359,423, A>T. VCF-style: chr11-113359423-A-T. GRCh37 (hg19) VCF-style: chr11-113230145-A-T.
Other names: c.1525A>T, p.Met509Leu (NM_001318533.2); c.1432A>T, p.Met478Leu (NM_001352037.2); c.1510A>T, p.Met504Leu (NM_001378063.1); c.1507A>T, p.Met503Leu (NM_001378064.1, NM_001378065.1); short protein forms M478L, M503L, M504L, M509L.
Identifiers: ClinVar variation 3900830 (VCV003900830.1).

ClinVar aggregate classification (germline): Uncertain significance (1 of 4 stars; one submission).

Submission:

GeneDx
Classification: Uncertain significance. Last evaluated: 2024-11-25. Review status: criteria provided, single submitter. Criteria: GeneDx Variant Classification Process June 2021. Collection method: clinical testing. Allele origin: germline. Affected: yes.
Comment: Not observed at significant frequency in large population cohorts (gnomAD); In silico analysis indicates that this missense variant does not alter protein structure/function; Has not been previously published as pathogenic or benign to our knowledge